The following is an entry in ClinVar:

NM_004700.4(KCNQ4):c.228_229dup (p.His77fs)

Gene: KCNQ4 (potassium voltage-gated channel subfamily Q member 4; plus strand). Cytogenetic location: 1p34.2.
Variant type: Microsatellite.
Coding change: c.228_229dup on transcript NM_004700.4 (MANE Select); coding-DNA positions 228 to 229, 2 bases duplicated (GC; older notation c.228_229dupGC).
Protein change: p.His77fs; shifts the reading frame from histidine 77.
Molecular consequence: frameshift variant.
Genome position (GRCh38, 1-based): chr1:40,784,321-40,784,322, GC duplicated; duplicating any 2 consecutive bases within chr1:40,784,318-40,784,322 gives the same sequence; the c. name uses the placement nearest the transcript's 3' end. VCF-style (leftmost placement, unchanged base first): chr1-40784317-C-CCG. GRCh37 (hg19) VCF-style: chr1-41249989-C-CCG.
Other names: c.228_229dup, p.His77fs (NM_172163.3); short protein forms H77fs.
Identifiers: ClinVar variation 208364 (VCV000208364.1), dbSNP rs1553165199, ClinGen allele CA347456.

ClinVar aggregate classification (germline): Pathogenic (0 of 4 stars; one submission).

Conditions:
Autosomal dominant nonsyndromic hearing loss 2A. Also called: Deafness, autosomal dominant 2A; DFNA2 Nonsyndromic Hearing Loss; Autosomal dominant nonsyndromic deafness 2A. Identifiers: Orphanet 90635, MedGen C2677637, MONDO:0010817, OMIM 600101.

Submission:

ClinVar Staff, National Center for Biotechnology Information (NCBI)
Classification: Pathogenic for Autosomal dominant nonsyndromic hearing loss 2A. Last evaluated: 2015-08-20. Review status: no assertion criteria provided. Collection method: literature only. Allele origin: germline. Affected: yes.
Comment: This variant used to be reported in GeneReviews NBK1209.

Literature cited by the submitters: PubMed 23717403; PubMed 20301388.